The following is an entry in ClinVar:

NM_015076.5(CDK19):c.1402C>T (p.Gln468Ter)

Gene: CDK19 (cyclin dependent kinase 19; minus strand). Cytogenetic location: 6q21.
Variant type: single nucleotide variant.
Coding change: c.1402C>T on transcript NM_015076.5 (MANE Select); coding-DNA position 1402, C replaced by T.
Protein change: p.Gln468Ter; replaces glutamine 468 with a stop codon.
Molecular consequence: nonsense.
Genome position (GRCh38, 1-based): chr6:110,614,642, G>A on the plus strand (C>T on the coding strand, the complement: CDK19 is on the minus strand). VCF-style: chr6-110614642-G-A. GRCh37 (hg19) VCF-style: chr6-110935845-G-A.
Other names: c.1270C>T, p.Gln424Ter (NM_001300960.2); c.1222C>T, p.Gln408Ter (NM_001300963.2, NM_001300964.2); short protein forms Q408*, Q424*, Q468*.
Identifiers: ClinVar variation 4531155 (VCV004531155.1).
Genomic context (GRCh38, chr6:110,614,642, plus strand): 5'-GAGACGAGGAAGAGTAGCCAAGTGTGCTCTGGGACTGAGAGGATCCCTGAACGCTGCTTT[G>A]GTAATTCAGGCGAGAACTGGAGTGCTAGGAGAAGGAAACAGGAAAAGGGAATTACTGATG-3'

ClinVar aggregate classification (germline): Uncertain significance (1 of 4 stars; one submission).

gnomAD v4.1: 1 of 1,613,934 alleles (0.000062%); highest among the groups gnomAD compares: African/African-American, 0.0013%; no homozygotes.

Submission:

GeneDx
Classification: Uncertain significance. Last evaluated: 2025-05-21. Review status: criteria provided, single submitter. Criteria: GeneDx Variant Classification Process June 2021. Collection method: clinical testing. Allele origin: germline. Affected: yes.
Comment: Not observed at significant frequency in large population cohorts (gnomAD); Nonsense variant predicted to result in protein truncation as the last 35 amino acid(s) are lost; Has not been previously published as pathogenic or benign to our knowledge